The following is an entry in ClinVar:

ClinVar aggregate classification (germline): Pathogenic/Likely pathogenic. Review status: criteria provided, multiple submitters, no conflicts (2 of 4 stars). 16 submissions from 16 submitters: Pathogenic (13); Likely pathogenic (1). 2 of the submissions do not count toward it. Last evaluated 2026-01-28.

Conditions:
Hereditary cancer-predisposing syndrome. Also called: Neoplastic Syndromes, Hereditary; Hereditary Cancer Syndrome; Tumor predisposition; Hereditary neoplastic syndrome. Identifiers: Orphanet 140162, MedGen C0027672, MeSH D009386, MONDO:0015356.
Familial cancer of breast. Also called: BREAST CANCER, FAMILIAL; hereditary breast carcinoma; Hereditary breast cancer. Identifiers: Orphanet 227535, MedGen C0346153, MONDO:0016419, OMIM 114480. Disease mechanism: loss of function.
Ataxia-telangiectasia syndrome (AT). Also called: Ataxia-telangiectasia, complementation group D; AT, COMPLEMENTATION GROUP C; Ataxia-telangiectasia; ATAXIA-TELANGIECTASIA, COMPLEMENTATION GROUP A; ATAXIA-TELANGIECTASIA, FRESNO VARIANT; Ataxia-telangiectasia, complementation group E. Identifiers: Orphanet 100, MedGen C0004135, MONDO:0008840, OMIM 208900.
Malignant tumor of breast. Also called: Malignant breast neoplasm; Cancer breast. Identifiers: MedGen C0006142, MONDO:0007254. Disease mechanism: loss of function.

Allele frequency attached by ClinVar (database versions not stated): gnomAD exomes below 0.00001; ExAC 0.00001.
gnomAD v4.1: 3 of 1,613,484 alleles (0.00019%); highest among the groups gnomAD compares: Non-Finnish European, 0.000085%; no homozygotes.

Submissions 1 to 11 of 16:

Labcorp Genetics (formerly Invitae), Labcorp
Classification: Pathogenic for Ataxia-telangiectasia syndrome. Last evaluated: 2026-01-28. Review status: criteria provided, single submitter. Criteria: Invitae Variant Classification Sherloc (09022015). Collection method: clinical testing. Allele origin: germline.
Comment: This sequence change affects codon 2596 of the ATM mRNA. It is a 'silent' change, meaning that it does not change the encoded amino acid sequence of the ATM protein. RNA analysis indicates that this variant induces altered splicing and likely results in a shortened protein product. This variant is present in population databases (rs587780639, gnomAD 0.002%). This variant has been observed in individuals with ataxia telangiectasia (PMID: 9792409, 26693373). ClinVar contains an entry for this variant (Variation ID: 135778). Variants that disrupt the consensus splice site are a relatively common cause of aberrant splicing (PMID: 17576681, 9536098). Studies have shown that this variant results in skipping of exon 52, also known as exon 54, but is expected to preserve the integrity of the reading-frame (PMID: 9792409; internal data). For these reasons, this variant has been classified as Pathogenic.

Quest Diagnostics Nichols Institute San Juan Capistrano
Classification: Pathogenic. Last evaluated: 2025-03-05. Review status: criteria provided, single submitter. Criteria: Quest Diagnostics criteria. Collection method: clinical testing. Allele origin: unknown.
Comment: The ATM c.7788G>A (p.Glu2596=) variant disrupts a canonical splice-donor site and interferes with normal ATM mRNA splicing. In the published literature, this variant has been reported in individuals with ataxia-telangiectasia (PMID: 9792409 (1998), 19898915 (2010), 21665257 (2011), 26693373 (2015), 29906526 (2019)) and breast and ovarian cancer (PMID: 30128536 (2018)). Published functional studies showed that this variant causes an in-frame deletion and results in the presence of both wild-type and truncated protein product. In addition, experiments also showed a loss of function of the wild-type protein (PMID: 9792409 (1998)). The frequency of this variant in the general population (Genome Aggregation Database) is consistent with pathogenicity. Based on the available information, this variant is classified as pathogenic.

Natera, Inc.
Classification: Pathogenic for Ataxia-telangiectasia. Last evaluated: 2024-10-16. Review status: criteria provided, single submitter. Criteria: Natera Variant Classification Schema (03/2026). Collection method: clinical testing. Allele origin: germline.
Comment: The c.7788G>A variant in ATM is a synonymous variant that does not alter the encoded amino acid at position 2596 (p.E2596=). This variant is rare in the general population with a frequency below the threshold expected for the associated phenotype(s). This variant has been observed in one or more individuals affected with the associated recessive disease, as either homozygous or compound heterozygous with a second variant (PMID: 34628594, 33551102, 26693373, 9792409). Additionally, this variant has been observed to segregate in affected family members (PMID: 38404774). Functional studies show that this variant may disrupt protein function (PMID: 9792409). Computational prediction algorithms indicate this variant is likely to affect gene or protein function. Given the available evidence, this variant is classified as Pathogenic.

Molecular Pathology, Peter Maccallum Cancer Centre
Classification: Pathogenic for Ataxia-telangiectasia syndrome. Last evaluated: 2024-09-25. Review status: criteria provided, single submitter. Criteria: ACMG Guidelines, 2015. Collection method: clinical testing. Allele origin: germline. Inheritance: Autosomal recessive inheritance.

Color Diagnostics, LLC DBA Color Health
Classification: Pathogenic for Hereditary cancer-predisposing syndrome. Last evaluated: 2024-05-07. Review status: criteria provided, single submitter. Criteria: ACMG Guidelines, 2015. Collection method: clinical testing. Allele origin: germline.
Comment: This synonymous variant does not change the encoded amino acid at codon 2596 of the ATM protein but it causes a G to A substitution at the last nucleotide of exon 52 of the ATM gene. Splice site prediction tools suggest that this variant may have a significant impact on RNA splicing. RNA studies have shown that this variant causes in-frame skipping of exon 52 (also known as exon 54 in the literature) which encodes part of the FAT domain (PMID: 9792409, 35716007). This variant has been reported in the homozygous state or compound heterozygous state in multiple individuals affected with ataxia-telangiectasia (PMID: 9792409, 26693373, 33547824, 33551102, 37540892, 38404774). In one family, this variant co-segregated with disease in two siblings (PMID: 38404774). This variant has also been reported in an individual affected with colorectal cancer (PMID: 32283892) and an individual with a family history of different cancers (PMID: 38327652). This variant has been identified in 1/250802 chromosomes in the general population by the Genome Aggregation Database (gnomAD). Loss of ATM function is a known mechanism of disease. Based on the available evidence, this variant is classified as Pathogenic.

CeGaT Center for Human Genetics Tuebingen
Classification: Likely pathogenic. Last evaluated: 2024-03-01. Review status: criteria provided, single submitter. Criteria: CeGaT Center For Human Genetics Tuebingen Variant Classification Criteria Version 2. Collection method: clinical testing. Allele origin: germline. Affected: yes. Observed: 1 variant allele.
Comment: ATM: PS3, PM2, PS4:Moderate, PP3

Baylor Genetics
Classification: Pathogenic for Familial cancer of breast. Last evaluated: 2024-02-10. Review status: criteria provided, single submitter. Criteria: ACMG Guidelines, 2015. Collection method: clinical testing. Allele origin: unknown.

Myriad Genetics, Inc.
Classification: Pathogenic for Familial cancer of breast. Last evaluated: 2024-02-01. Review status: criteria provided, single submitter. Criteria: Myriad Autosomal Dominant, Autosomal Recessive and X-Linked Classification Criteria (2023). Collection method: clinical testing. Allele origin: unknown.
Comment: This variant is considered pathogenic. mRNA analysis has demonstrated abnormal mRNA splicing occurs [Myriad internal data]. This variant has been reported in multiple individuals with clinical features of gene-specific disease [PMID: 9792409, 26693373, 21665257, 33551102, 33547824].

Fulgent Genetics
Classification: Pathogenic for Familial cancer of breast; Ataxia-telangiectasia syndrome. Last evaluated: 2024-01-23. Review status: criteria provided, single submitter. Criteria: ACMG Guidelines, 2015. Collection method: clinical testing. Allele origin: germline.

Department of Pathology and Laboratory Medicine, Sinai Health System
Classification: Pathogenic for Familial cancer of breast. Last evaluated: 2023-03-08. Review status: criteria provided, single submitter. Criteria: ACMG Guidelines, 2015. Collection method: clinical testing. Allele origin: germline. Affected: yes.

Ambry Genetics
Classification: Pathogenic for Hereditary cancer-predisposing syndrome. Last evaluated: 2023-02-01. Review status: criteria provided, single submitter. Criteria: Ambry Variant Classification Scheme 2023. Collection method: clinical testing. Allele origin: germline.
Comment: The c.7788G>A pathogenic mutation (also known as p.E2596E), located in coding exon 51 of the ATM gene, results from a G to A substitution at nucleotide position 7788. This nucleotide substitution does not change the glutamic acid at codon 2596. However, this change occurs in the last base pair of coding exon 51, which makes it likely to have some effect on normal mRNA splicing. This mutation has been reported in multiple individuals with a clinical diagnosis of ataxia telangiectasia, two of whom were reported to be homozygous for the mutation (Broeks A et al. Hum. Mutat. 1998;12:330-7; Ayg&uuml;n FD et al. Case Rep Pediatr. 2015;2015: 615368). This nucleotide position is highly conserved in available vertebrate species. In silico splice site analysis predicts that this alteration will weaken the native splice donor site. RNA studies have demonstrated that this alteration results in abnormal splicing in the set of samples tested (Ambry internal data). This variant is considered to be rare based on population cohorts in the Genome Aggregation Database (gnomAD). Based on the supporting evidence, this alteration is interpreted as a disease-causing mutation.

NM_000051.4(ATM):c.7788G>A (p.Glu2596=)

Genes: ATM (ATM serine/threonine kinase; plus strand), C11orf65 (chromosome 11 open reading frame 65; minus strand). Cytogenetic location: 11q22.3.
Variant type: single nucleotide variant.
Coding change: c.7788G>A on transcript NM_000051.4 (MANE Select); coding-DNA position 7788, G replaced by A.
Protein change: p.Glu2596=; no amino-acid change (glutamic acid 2596 retained).
Molecular consequence: synonymous variant. On other transcripts: intron variant (2).
Genome position (GRCh38, 1-based): chr11:108,332,037, G>A. VCF-style: chr11-108332037-G-A. GRCh37 (hg19) VCF-style: chr11-108202764-G-A.
Other names: p.E2596E:GAG>GAA; c.7788G>A (NM_000051.2); c.7788G>A, p.Glu2596= (NM_001351834.2); c.641-22966C>T (NM_001330368.2); c.*38+3183C>T (NM_001351110.2).
Identifiers: ClinVar variation 135778 (VCV000135778.66), dbSNP rs587780639, ClinGen allele CA298062.